The following is an entry in ClinVar:

NM_000264.5(PTCH1):c.2881C>G (p.Leu961Val)

Gene: PTCH1 (patched 1; minus strand). Cytogenetic location: 9q22.32.
Variant type: single nucleotide variant.
Coding change: c.2881C>G on transcript NM_000264.5 (MANE Select); coding-DNA position 2881, C replaced by G.
Protein change: p.Leu961Val; replaces leucine 961 with valine.
Molecular consequence: missense variant. On other transcripts: non-coding transcript variant (1).
Genome position (GRCh38, 1-based): chr9:95,459,606, G>C on the plus strand (C>G on the coding strand, the complement: PTCH1 is on the minus strand). VCF-style: chr9-95459606-G-C. GRCh37 (hg19) VCF-style: chr9-98221888-G-C.
Other names: c.2683C>G, p.Leu895Val (NM_001083602.3); c.2878C>G, p.Leu960Val (NM_001083603.3); c.2428C>G, p.Leu810Val (NM_001083604.3, NM_001083605.3, NM_001083606.3 and 1 more transcripts); c.2725C>G, p.Leu909Val (NM_001354918.2); short protein forms L810V, L909V, L960V, L895V, L961V.
Identifiers: ClinVar variation 4824936 (VCV004824936.1).

ClinVar aggregate classification (germline): Uncertain significance (1 of 4 stars; one submission).

Conditions:
Hereditary cancer-predisposing syndrome. Also called: Neoplastic Syndromes, Hereditary; Tumor predisposition; Hereditary Cancer Syndrome; Hereditary neoplastic syndrome. Identifiers: Orphanet 140162, MedGen C0027672, MeSH D009386, MONDO:0015356.

Submission:

Ambry Genetics
Classification: Uncertain significance for Hereditary cancer-predisposing syndrome. Last evaluated: 2026-02-12. Review status: criteria provided, single submitter. Criteria: Ambry Variant Classification Scheme 2023. Collection method: clinical testing. Allele origin: germline.
Comment: The p.L961V variant (also known as c.2881C>G), located in coding exon 17 of the PTCH1 gene, results from a C to G substitution at nucleotide position 2881. The leucine at codon 961 is replaced by valine, an amino acid with highly similar properties. This amino acid position is highly conserved in available vertebrate species. In addition, the in silico prediction for this alteration is inconclusive. Based on the available evidence, the clinical significance of this variant remains unclear.